The following is an entry in ClinVar:

ClinVar aggregate classification (germline): Pathogenic. Review status: criteria provided, multiple submitters, no conflicts (2 of 4 stars). 2 submissions from 2 submitters: Pathogenic (2). Last evaluated 2023-09-18.

Conditions:
Hereditary cancer-predisposing syndrome. Also called: Hereditary Cancer Syndrome; Hereditary neoplastic syndrome; Tumor predisposition; Neoplastic Syndromes, Hereditary. Identifiers: Orphanet 140162, MedGen C0027672, MeSH D009386, MONDO:0015356.
Breast-ovarian cancer, familial, susceptibility to, 2 (BROVCA2). Also called: BRCA2 Hereditary Breast and Ovarian Cancer. Identifiers: Orphanet 145, MedGen C2675520, MONDO:0012933, OMIM 612555. Disease mechanism: loss of function.

Submissions (2):

All of Us Research Program, National Institutes of Health
Classification: Pathogenic for Breast-ovarian cancer, familial, susceptibility to, 2. Last evaluated: 2023-09-18. Review status: criteria provided, single submitter. Criteria: ACMG Guidelines, 2015. Collection method: clinical testing. Allele origin: germline. Inheritance: Autosomal dominant inheritance. Observed: 1 variant allele, 1 heterozygote.
Comment: This variant inserts 13 nucleotides in exon 3 of the BRCA2 gene, creating a frameshift and premature translation stop signal. This variant is expected to result in an absent or non-functional protein product. To our knowledge, this variant has not been reported in individuals affected with BRCA2-related disorders in the literature. This variant has not been identified in the general population by the Genome Aggregation Database (gnomAD). Loss of BRCA2 function is a known mechanism of disease. Based on the available evidence, this variant is classified as Pathogenic.

This study involves interpretation of variants in research participants for the purpose of population health screening. Participant phenotype was not available at the time of variant classification. Additional details can be found in publication PMID: 35346344, PMCID: PMC8962531

Color Diagnostics, LLC DBA Color Health
Classification: Pathogenic for Hereditary cancer-predisposing syndrome. Last evaluated: 2023-07-26. Review status: criteria provided, single submitter. Criteria: ACMG Guidelines, 2015. Collection method: clinical testing. Allele origin: germline.
Comment: This variant inserts 13 nucleotides in exon 3 of the BRCA2 gene, creating a frameshift and premature translation stop signal. This variant is expected to result in an absent or non-functional protein product. To our knowledge, this variant has not been reported in individuals affected with BRCA2-related disorders in the literature. This variant has not been identified in the general population by the Genome Aggregation Database (gnomAD). Loss of BRCA2 function is a known mechanism of disease. Based on the available evidence, this variant is classified as Pathogenic.

NM_000059.4(BRCA2):c.101_102insCCAATAAGTCTTA (p.Glu34delinsAspGlnTer)

Gene: BRCA2 (BRCA2 DNA repair associated; plus strand). Cytogenetic location: 13q13.1.
Variant type: Insertion.
Coding change: c.101_102insCCAATAAGTCTTA on transcript NM_000059.4 (MANE Select); coding-DNA positions 101 to 102, CCAATAAGTCTTA inserted.
Protein change: p.Glu34delinsAspGlnTer.
Molecular consequence: nonsense. On other transcripts: 5 prime UTR variant (1), non-coding transcript variant (1).
Genome position: GRCh38 VCF-style: chr13-32319109-G-GACCAATAAGTCTT. GRCh37 (hg19) VCF-style: chr13-32893246-G-GACCAATAAGTCTT.
Other names: c.101_102insCCAATAAGTCTTA, p.Glu34delinsAspGlnTer (NM_001406719.1, NM_001406720.1, NM_001406721.1); c.-269_-268insCCAATAAGTCTTA (NM_001406722.1).
Identifiers: ClinVar variation 2774869 (VCV002774869.3), dbSNP rs2548511156, ClinGen allele CA2697551713.